The following is an entry in ClinVar:

ClinVar aggregate classification (germline): Pathogenic (1 of 4 stars; one submission).

Conditions:
Fraser syndrome 1 (FRASRS1). Also called: CRYPTOPHTHALMOS WITH OTHER MALFORMATIONS. Identifiers: Orphanet 2052, MedGen C4551480, MONDO:0054737, OMIM 219000.

Submission:

Fulgent Genetics
Classification: Pathogenic for Fraser syndrome 1. Last evaluated: 2021-06-30. Review status: criteria provided, single submitter. Criteria: ACMG Guidelines, 2015. Collection method: clinical testing. Allele origin: unknown.
Comment: This variant has been detected in individual(s) who were sent for testing of Renasight - kidney gene panel.

NM_025074.7(FRAS1):c.7254dup (p.Glu2419fs)

Gene: FRAS1 (Fraser extracellular matrix complex subunit 1; plus strand). Cytogenetic location: 4q21.21.
Variant type: Duplication.
Coding change: c.7254dup on transcript NM_025074.7 (MANE Select); coding-DNA position 7254, one base duplicated (A; older notation c.7254dupA).
Protein change: p.Glu2419fs; shifts the reading frame from glutamic acid 2419.
Molecular consequence: frameshift variant.
Genome position (GRCh38, 1-based): chr4:78,466,432, A duplicated; the last of 4 consecutive A bases (chr4:78,466,429-78,466,432); duplicating any one gives the same sequence. VCF-style (leftmost placement, unchanged base first): chr4-78466428-G-GA. GRCh37 (hg19) VCF-style: chr4-79387582-G-GA.
Other names: short protein forms E2419fs.
Identifiers: ClinVar variation 1179032 (VCV001179032.2), dbSNP rs2109847651, ClinGen allele CA2499217339.